The following is an entry in ClinVar:

NM_000048.4(ASL):c.58del (p.Ile20fs)

Gene: ASL (argininosuccinate lyase; plus strand). Cytogenetic location: 7q11.21.
Variant type: Deletion.
Coding change: c.58del on transcript NM_000048.4 (MANE Select); coding-DNA position 58, one base deleted (A; older notation c.58delA).
Protein change: p.Ile20fs; shifts the reading frame from isoleucine 20.
Molecular consequence: frameshift variant.
Genome position (GRCh38, 1-based): chr7:66,081,848, A deleted. VCF-style (leftmost placement, unchanged base first): chr7-66081847-CA-C. GRCh37 (hg19) VCF-style: chr7-65546834-CA-C.
Other names: c.58del, p.Ile20fs (NM_001024943.2, NM_001024944.2, NM_001024946.2); short protein forms I20fs.
Identifiers: ClinVar variation 2005777 (VCV002005777.4), dbSNP rs2484993323, ClinGen allele CA2580077281.

ClinVar aggregate classification (germline): Pathogenic (1 of 4 stars; one submission).

Conditions:
Argininosuccinate lyase deficiency. Also called: ARGININOSUCCINIC ACID LYASE DEFICIENCY; ASL DEFICIENCY; Argininosuccinic aciduria. Identifiers: Orphanet 23, MedGen C0268547, MONDO:0008815, OMIM 207900, HP:0025630.

Submission:

Labcorp Genetics (formerly Invitae), Labcorp
Classification: Pathogenic for Argininosuccinate lyase deficiency. Last evaluated: 2022-06-13. Review status: criteria provided, single submitter. Criteria: Invitae Variant Classification Sherloc (09022015). Collection method: clinical testing. Allele origin: germline.
Comment: For these reasons, this variant has been classified as Pathogenic. This variant has not been reported in the literature in individuals affected with ASL-related conditions. This variant is not present in population databases (gnomAD no frequency). This sequence change creates a premature translational stop signal (p.Ile20Serfs*48) in the ASL gene. It is expected to result in an absent or disrupted protein product. Loss-of-function variants in ASL are known to be pathogenic (PMID: 2263616, 24166829).

Literature cited by the submitters: PubMed 2263616; PubMed 24166829.